The following is an entry in ClinVar:

ClinVar aggregate classification (germline): Uncertain significance (1 of 4 stars; one submission).

Submission:

Genetic Services Laboratory, University of Chicago
Classification: Uncertain significance. Last evaluated: 2024-05-15. Review status: criteria provided, single submitter. Criteria: ACMG Guidelines, 2015. Collection method: clinical testing. Allele origin: germline. Affected: no.
Comment: DNA sequence analysis of the ALK gene demonstrated a deletion and insertion of two base pairs in exon 27, c.3960_3961delinsAA. This deletion/insertion is predicted to result in the creation of a premature stop codon at amino acid position 1320, p.Trp1320*. This sequence change is predicted to result in an abnormal transcript, which may be degraded, or may lead to the production of a truncated ALK protein with potentially abnormal function. This sequence change does not appear to have been previously described in individuals with ALK-related disorders. This sequence change has also not been described in the population databases such as ExAC and gnomAD. Due to lack of evidence that loss-of-function variants in ALK are a known disease mechanism, the clinical significance of the p.Trp1320* change remains unknown at this time.

NM_004304.5(ALK):c.3960_3961delinsAA (p.Trp1320_Glu1321delinsTer)

Gene: ALK (ALK receptor tyrosine kinase; minus strand). Cytogenetic location: 2p23.2.
Variant type: Indel.
Coding change: c.3960_3961delinsAA on transcript NM_004304.5 (MANE Select); coding-DNA positions 3960 to 3961, GG replaced by AA.
Protein change: p.Trp1320_Glu1321delinsTer.
Molecular consequence: nonsense.
Genome position (GRCh38, 1-based): chr2:29,197,654-29,197,655, CC replaced by TT on the plus strand (GG replaced by AA on the coding strand, the reverse complement: ALK is on the minus strand). VCF-style: chr2-29197654-CC-TT. GRCh37 (hg19) VCF-style: chr2-29420520-CC-TT.
Other names: c.756_757delinsAA, p.Trp252_Glu253delinsTer (NM_001353765.2); c.3960_3961delGGinsAA, p.Trp1320Ter (NM_004304.3); short protein forms W1320*.
Identifiers: ClinVar variation 4082434 (VCV004082434.2).
Genomic context (GRCh38, chr2:29,197,654, plus strand): 5'-ACTCCAGAACTTCCTGGTTGCTTTTGCTGGGGTATGGCATATATCCAAGAGAAAAGATTT[CC>TT]CATAGCAGCACTCCAAAGGACCTGGGCATGGGACAGAGGACATGGAGATGGATATAGACA-3'